The following is an entry in ClinVar:

NM_000257.4(MYH7):c.5457G>T (p.Val1819=)

Gene: MYH7 (myosin heavy chain 7; minus strand). Cytogenetic location: 14q11.2.
Variant type: single nucleotide variant.
Coding change: c.5457G>T on transcript NM_000257.4 (MANE Select); coding-DNA position 5457, G replaced by T.
Protein change: p.Val1819=; no amino-acid change (valine 1819 retained).
Molecular consequence: synonymous variant.
Genome position (GRCh38, 1-based): chr14:23,415,097, C>A on the plus strand (G>T on the coding strand, the complement: MYH7 is on the minus strand). VCF-style: chr14-23415097-C-A. GRCh37 (hg19) VCF-style: chr14-23884306-C-A.
Other names: c.5457G>T, p.Val1819= (NM_001407004.1).
Identifiers: ClinVar variation 3387280 (VCV003387280.2).
Genomic context (GRCh38, chr14:23,415,097, plus strand): 5'-GCCCTTCACCGACTCTGCGTTGCGCTTCTGCTCGGCCTCCAGCTCATTCTCCAGCTCCCG[C>A]ACCCGCGCTTCCAGCTTCTGCAGCTGCTTCTTGCCGCCCTTGAGGGCGATCTGCTCGGCT-3'
Protein context (NP_000248.2, residues 1809-1829): KKQLQKLEAR[Val1819=]RELENELEAE

ClinVar aggregate classification (germline): Likely benign. Review status: criteria provided, multiple submitters, no conflicts (2 of 4 stars). 2 submissions from 2 submitters: Likely benign (2). Last evaluated 2026-01-21.

Conditions:
Cardiomyopathy (CMYO). Also called: Cardiomyopathies. Identifiers: Orphanet 167848, MedGen C0878544, MONDO:0004994, HP:0001638. Inheritance: Various modes of inheritance.
Cardiovascular phenotype. Identifiers: MedGen CN230736.

gnomAD v4.1: 26 of 1,614,046 alleles (0.0016%); highest among the groups gnomAD compares: Non-Finnish European, 0.0021%; no homozygotes.

Submissions (2):

Ambry Genetics
Classification: Likely benign for Cardiovascular phenotype. Last evaluated: 2026-01-21. Review status: criteria provided, single submitter. Criteria: Ambry Variant Classification Scheme 2023. Collection method: clinical testing. Allele origin: germline.

All of Us Research Program, National Institutes of Health
Classification: Likely benign for Cardiomyopathy. Last evaluated: 2024-07-29. Review status: criteria provided, single submitter. Criteria: ACMG Guidelines, 2015. Collection method: clinical testing. Allele origin: germline. Inheritance: Autosomal dominant inheritance. Observed: 1 variant allele, 1 heterozygote.
Comment: This study involves interpretation of variants in research participants for the purpose of population health screening. Participant phenotype was not available at the time of variant classification. Additional details can be found in publication PMID: 35346344, PMCID: PMC8962531